The following is an entry in ClinVar:

ClinVar aggregate classification (germline): Uncertain significance (1 of 4 stars; one submission).

Conditions:
CLCN5-related disorder. Also called: CLCN5-related condition.

Submission:

3billion
Classification: Uncertain significance for CLCN5-related disorder. Last evaluated: 2025-01-27. Review status: criteria provided, single submitter. Criteria: ACMG Guidelines, 2015. Collection method: clinical testing. Allele origin: germline. Affected: yes.
Comment: The variant is not observed in the gnomAD v4.1.0 dataset. Predicted Consequence/Location: Missense variant In silico tool predictions suggest damaging effect of the variant on gene or gene product [REVEL: 0.97 (>=0.6, sensitivity 0.68 and specificity 0.92); 3Cnet: 0.96 (>=0.6, sensitivity 0.72 and precision 0.9)]. The same nucleotide change resulting in the same amino acid change has been previously reported to be associated with CLCN5-related disorder (PMID: 24081861). However, the evidence of pathogenicity is insufficient at this time. Therefore, this variant is classified as VUS according to the recommendation of ACMG/AMP guideline.

Literature cited by the submitters: PubMed 24081861.

NM_001127898.4(CLCN5):c.1715A>G (p.Tyr572Cys)

Gene: CLCN5 (chloride voltage-gated channel 5; plus strand). Cytogenetic location: Xp11.23.
Variant type: single nucleotide variant.
Coding change: c.1715A>G on transcript NM_001127898.4 (MANE Select); coding-DNA position 1715, A replaced by G.
Protein change: p.Tyr572Cys; replaces tyrosine 572 with cysteine.
Molecular consequence: missense variant. On other transcripts: non-coding transcript variant (1).
Genome position (GRCh38, 1-based): chrX:50,088,855, A>G. VCF-style: chrX-50088855-A-G. GRCh37 (hg19) VCF-style: chrX-49853512-A-G.
Other names: c.1505A>G, p.Tyr502Cys (NM_000084.5); c.1715A>G, p.Tyr572Cys (NM_001127899.4); c.1565A>G, p.Tyr522Cys (NM_001282163.2); c.1727A>G, p.Tyr576Cys (NM_001440756.1, NM_001440757.1); short protein forms Y502C, Y522C, Y572C, Y576C.
Identifiers: ClinVar variation 4292704 (VCV004292704.1).
Genomic context (GRCh38, chrX:50,088,855, plus strand): 5'-AATGGACCGTCTTCAATAGCTGGTGTAGTCAGGGAGCTGATTGCATCACCCCCGGCCTTT[A>G]TGCAATGGTTGGGGCTGCAGCCTGCTTAGGTGAGTAGTGTTTGCATTAATTTCAAGTTGC-3'
Protein context (NP_001121370.1, residues 562-582): QGADCITPGL[Tyr572Cys]AMVGAAACLG